The following is an entry in ClinVar:

ClinVar aggregate classification (germline): Uncertain significance (1 of 4 stars; one submission).

Allele frequency attached by ClinVar (database versions not stated): gnomAD exomes below 0.00001.
gnomAD v4.1: 2 of 1,603,950 alleles (0.00012%); highest among the groups gnomAD compares: Admixed American, 0.0017%; no homozygotes.

Submission:

Labcorp Genetics (formerly Invitae), Labcorp
Classification: Uncertain significance. Last evaluated: 2024-11-19. Review status: criteria provided, single submitter. Criteria: Invitae Variant Classification Sherloc (09022015). Collection method: clinical testing. Allele origin: germline.
Comment: This sequence change replaces glycine, which is neutral and non-polar, with aspartic acid, which is acidic and polar, at codon 1353 of the ERBIN protein (p.Gly1353Asp). This variant is present in population databases (no rsID available, gnomAD 0.003%). This variant has not been reported in the literature in individuals affected with ERBIN-related conditions. ClinVar contains an entry for this variant (Variation ID: 2701584). An algorithm developed to predict the effect of missense changes on protein structure and function (PolyPhen-2) suggests that this variant is likely to be disruptive. In summary, the available evidence is currently insufficient to determine the role of this variant in disease. Therefore, it has been classified as a Variant of Uncertain Significance.

NM_001253697.2(ERBIN):c.4058G>A (p.Gly1353Asp)

Gene: ERBIN (erbb2 interacting protein; plus strand). Cytogenetic location: 5q12.3.
Variant type: single nucleotide variant.
Coding change: c.4058G>A on transcript NM_001253697.2 (MANE Select); coding-DNA position 4058, G replaced by A.
Protein change: p.Gly1353Asp; replaces glycine 1353 with aspartic acid.
Molecular consequence: missense variant. On other transcripts: intron variant (1).
Genome position (GRCh38, 1-based): chr5:66,076,876, G>A. VCF-style: chr5-66076876-G-A. GRCh37 (hg19) VCF-style: chr5-65372704-G-A.
Other names: c.3728G>A, p.Gly1243Asp (NM_001006600.3); c.4079G>A, p.Gly1360Asp (NM_001253699.2); c.3923G>A, p.Gly1308Asp (NM_001253701.2); c.3935G>A, p.Gly1312Asp (NM_018695.4); c.3933+468G>A (NM_001253698.2); short protein forms G1243D, G1353D, G1308D, G1360D, G1312D.
Identifiers: ClinVar variation 2701584 (VCV002701584.3), dbSNP rs1327218433, ClinGen allele CA359871571.